The following is an entry in ClinVar:

NM_001927.4(DES):c.18G>A (p.Ser6=)

Gene: DES (desmin; plus strand). Cytogenetic location: 2q35.
Variant type: single nucleotide variant.
Coding change: c.18G>A on transcript NM_001927.4 (MANE Select); coding-DNA position 18, G replaced by A.
Protein change: p.Ser6=; no amino-acid change (serine 6 retained).
Molecular consequence: synonymous variant.
Genome position (GRCh38, 1-based): chr2:219,418,480, G>A. VCF-style: chr2-219418480-G-A. GRCh37 (hg19) VCF-style: chr2-220283202-G-A.
Identifiers: ClinVar variation 44255 (VCV000044255.40), dbSNP rs199972656, ClinGen allele CA133835.

ClinVar aggregate classification (germline): Conflicting classifications of pathogenicity. Review status: criteria provided, conflicting classifications (1 of 4 stars). 15 submissions from 13 submitters: Uncertain significance (3); Benign (4); Likely benign (6). 2 of the submissions do not count toward it. Last evaluated 2026-01-25.

Conditions:
Cardiovascular phenotype. Identifiers: MedGen CN230736.
Desmin-related myofibrillar myopathy (MFM1). Also called: MYOFIBRILLAR MYOPATHY WITH ARRHYTHMOGENIC RIGHT VENTRICULAR CARDIOMYOPATHY; DESMIN-RELATED MYOPATHY WITH ARRHYTHMOGENIC RIGHT VENTRICULAR CARDIOMYOPATHY; Myofibrillar myopathy 1; Desmin related myopathy (former name); Desmin storage myopathy (former name); Desminopathy. Identifiers: Orphanet 363543, Orphanet 98909, MedGen C1832370, MONDO:0011076, OMIM 601419.
Cardiomyopathy (CMYO). Also called: Cardiomyopathies. Identifiers: Orphanet 167848, MedGen C0878544, MONDO:0004994, HP:0001638. Inheritance: Various modes of inheritance.
Dilated cardiomyopathy 1I (CMD1I). Identifiers: Orphanet 154, MedGen C1858154, MONDO:0011482, OMIM 604765.
Neurogenic scapuloperoneal syndrome, Kaeser type (SCPNK). Also called: KAESER SYNDROME. Identifiers: Orphanet 85146, MedGen C1867005, MONDO:0008407, OMIM 181400.

Allele frequency attached by ClinVar (database versions not stated): gnomAD exomes 0.00011 and 0.00023; ExAC 0.00025; ESP Exome Variant Server 0.00053; gnomAD 0.00098 and 0.00104; TOPMed 0.00119; 1000 Genomes Project 30x 0.00141; 1000 Genomes Project 0.00160.
gnomAD v4.1: 330 of 1,598,438 alleles (0.021%); highest among the groups gnomAD compares: African/African-American, 0.38%; 2 homozygotes.

Submissions (15):

Labcorp Genetics (formerly Invitae), Labcorp
Classification: Benign for Desmin-related myofibrillar myopathy. Last evaluated: 2026-01-25. Review status: criteria provided, single submitter. Criteria: Invitae Variant Classification Sherloc (09022015). Collection method: clinical testing. Allele origin: germline.

Molecular Diagnostic Laboratory for Inherited Cardiovascular Disease, Montreal Heart Institute
Classification: Likely benign. Last evaluated: 2025-04-09. Review status: criteria provided, single submitter. Criteria: ACMG Guidelines, 2015. Collection method: clinical testing. Allele origin: germline. Affected: no.

Blueprint Genetics
Classification: Likely benign. Last evaluated: 2024-02-16. Review status: criteria provided, single submitter. Criteria: ACMG Guidelines, 2015. Collection method: clinical testing. Allele origin: germline.

Women's Health and Genetics/Laboratory Corporation of America, LabCorp
Classification: Benign. Last evaluated: 2023-07-22. Review status: criteria provided, single submitter. Criteria: LabCorp Variant Classification Summary - May 2015. Collection method: clinical testing. Allele origin: germline.

ARUP Laboratories, Molecular Genetics and Genomics, ARUP Laboratories
Classification: Likely benign. Last evaluated: 2019-12-09. Review status: criteria provided, single submitter. Criteria: ARUP Molecular Germline Variant Investigation Process. Collection method: clinical testing. Allele origin: germline.

Ambry Genetics
Classification: Likely benign for Cardiovascular phenotype. Last evaluated: 2019-08-22. Review status: criteria provided, single submitter. Criteria: Ambry Variant Classification Scheme 2023. Collection method: clinical testing. Allele origin: germline.

Eurofins Ntd Llc (ga)
Classification: Uncertain significance. Last evaluated: 2018-02-26. Review status: criteria provided, single submitter. Criteria: EGL ClinVar v180209 classification definitions. Collection method: clinical testing. Allele origin: germline. Observed: 12 variant alleles, 12 heterozygotes.

Illumina Laboratory Services, Illumina
Classification: Benign for Neurogenic scapuloperoneal syndrome, Kaeser type. Last evaluated: 2018-01-12. Review status: criteria provided, single submitter. Criteria: ICSL Variant Classification Criteria 13 December 2019. Collection method: clinical testing. Allele origin: germline.
Comment: This variant was observed in the ICSL laboratory as part of a predisposition screen in an ostensibly healthy population. It had not been previously curated by ICSL or reported in the Human Gene Mutation Database (HGMD: prior to June 1st, 2018), and was therefore a candidate for classification through an automated scoring system. Utilizing variant allele frequency, disease prevalence and penetrance estimates, and inheritance mode, an automated score was calculated to assess if this variant is too frequent to cause the disease. Based on the score and internal cut-off values, a variant classified as benign is not then subjected to further curation. The score for this variant resulted in a classification of benign for this disease.

Illumina Laboratory Services, Illumina
Classification: Uncertain significance for Myofibrillar myopathy 1. Last evaluated: 2018-01-12. Review status: criteria provided, single submitter. Criteria: ICSL Variant Classification Criteria 13 December 2019. Collection method: clinical testing. Allele origin: germline.

Illumina Laboratory Services, Illumina
Classification: Uncertain significance for Dilated cardiomyopathy 1I. Last evaluated: 2018-01-12. Review status: criteria provided, single submitter. Criteria: ICSL Variant Classification Criteria 13 December 2019. Collection method: clinical testing. Allele origin: germline.

CHEO Genetics Diagnostic Laboratory, Children's Hospital of Eastern Ontario
Classification: Likely benign for Cardiomyopathy. Last evaluated: 2016-10-07. Review status: criteria provided, single submitter. Criteria: ACMG Guidelines, 2015. Collection method: clinical testing. Allele origin: germline. Study: Canadian Open Genetics Repository.

GeneDx
Classification: Benign. Last evaluated: 2015-03-03. Review status: criteria provided, single submitter. Criteria: GeneDx Variant Classification Process June 2021. Collection method: clinical testing. Allele origin: germline. Affected: yes.

Laboratory for Molecular Medicine, Mass General Brigham Personalized Medicine
Classification: Likely benign. Last evaluated: 2011-11-14. Review status: criteria provided, single submitter. Criteria: LMM Criteria. Collection method: clinical testing. Allele origin: germline. Observed: 2 variant alleles.
Comment: Ser6Ser in exon 1 of DES: This variant does not change an amino acid and does no t affect the splice consensus sequence. This makes a disease causing role very u nlikely. Ser6Ser in exon 1 of DES (allele frequency = n/a)

Clinical Genetics, Academic Medical Center
Classification: Benign. Review status: no assertion criteria provided. Collection method: clinical testing. Allele origin: germline. Affected: yes. Study: VKGL Data-share Consensus. Not counted in ClinVar's aggregate classification.

Genome Diagnostics Laboratory, University Medical Center Utrecht
Classification: Likely benign. Review status: no assertion criteria provided. Collection method: clinical testing. Allele origin: germline. Affected: yes. Study: VKGL Data-share Consensus. Not counted in ClinVar's aggregate classification.